The following is an entry in ClinVar:

NM_001943.5(DSG2):c.3093dup (p.Thr1032fs)

Genes: DSG2 (desmoglein 2; plus strand), DSG2-AS1 (DSG2 antisense RNA 1; minus strand). Cytogenetic location: 18q12.1.
Variant type: Duplication.
Coding change: c.3093dup on transcript NM_001943.5 (MANE Select); coding-DNA position 3093, one base duplicated (T; older notation c.3093dupT).
Protein change: p.Thr1032fs; shifts the reading frame from threonine 1032.
Molecular consequence: frameshift variant.
Genome position (GRCh38, 1-based): chr18:31,546,479, T duplicated. VCF-style (leftmost placement, unchanged base first): chr18-31546478-C-CT. GRCh37 (hg19) VCF-style: chr18-29126441-C-CT.
Other names: short protein forms T1032fs.
Identifiers: ClinVar variation 2633665 (VCV002633665.1), dbSNP rs2510922729, ClinGen allele CA2641407656.

ClinVar aggregate classification (germline): Uncertain significance (1 of 4 stars; one submission).

Conditions:
DSG2-related disorder. Also called: DSG2-related condition.

Allele frequency attached by ClinVar (database versions not stated): gnomAD exomes below 0.00001.

Submission:

PreventionGenetics, part of Exact Sciences
Classification: Uncertain significance for DSG2-related condition. Last evaluated: 2023-03-10. Review status: criteria provided, single submitter. Criteria: ACMG Guidelines, 2015. Collection method: clinical testing. Allele origin: germline.
Comment: The DSG2 c.3093dupT variant is predicted to result in a frameshift and premature protein termination (p.Thr1032Tyrfs*6). To our knowledge, this variant has not been reported in the literature or in a large population database, indicating this variant is rare. This variant resides in the final exon of this gene, and it is unclear if the resulting mRNA would undergo nonsense-mediated decay. Although we suspect that this variant may be pathogenic, at this time, the clinical significance of this variant is uncertain due to the absence of conclusive functional and genetic evidence.